The following is an entry in ClinVar:

NM_001999.4(FBN2):c.243C>A (p.Asp81Glu)

Gene: FBN2 (fibrillin 2; minus strand). Cytogenetic location: 5q23.3.
Variant type: single nucleotide variant.
Coding change: c.243C>A on transcript NM_001999.4 (MANE Select); coding-DNA position 243, C replaced by A.
Protein change: p.Asp81Glu; replaces aspartic acid 81 with glutamic acid.
Molecular consequence: missense variant.
Genome position (GRCh38, 1-based): chr5:128,537,361, G>T on the plus strand (C>A on the coding strand, the complement: FBN2 is on the minus strand). VCF-style: chr5-128537361-G-T. GRCh37 (hg19) VCF-style: chr5-127873054-G-T.
Other names: short protein forms D81E.
Identifiers: ClinVar variation 3367853 (VCV003367853.2).

ClinVar aggregate classification (germline): Uncertain significance. Review status: criteria provided, multiple submitters, no conflicts (2 of 4 stars). 2 submissions from 2 submitters: Uncertain significance (2). Last evaluated 2024-01-10.

Conditions:
Macular degeneration, early-onset (EOMD). Identifiers: MedGen C4015286, MONDO:0014501, OMIM 616118.
Congenital contractural arachnodactyly (CCA). Also called: BEALS SYNDROME; Arthrogryposis, distal, type 9; Beals-Hecht syndrome. Identifiers: Orphanet 115, MedGen C0220668, MONDO:0007363, OMIM 121050.

Submissions (2):

GeneDx
Classification: Uncertain significance. Last evaluated: 2024-01-10. Review status: criteria provided, single submitter. Criteria: GeneDx Variant Classification Process June 2021. Collection method: clinical testing. Allele origin: germline. Affected: yes.
Comment: Not observed at significant frequency in large population cohorts (gnomAD); In silico analysis supports that this missense variant does not alter protein structure/function; Has not been previously published as pathogenic or benign to our knowledge

Department of Pathology and Laboratory Medicine, Sinai Health System
Classification: Uncertain significance for Congenital contractural arachnodactyly; Macular degeneration, early-onset. Last evaluated: 2021-07-30. Review status: criteria provided, single submitter. Criteria: ACMG Guidelines, 2015. Collection method: research. Allele origin: germline.